The following is an entry in ClinVar:

NM_007259.5(VPS45):c.1267G>A (p.Val423Met)

Gene: VPS45 (vacuolar protein sorting 45 homolog; plus strand). Cytogenetic location: 1q21.2.
Variant type: single nucleotide variant.
Coding change: c.1267G>A on transcript NM_007259.5 (MANE Select); coding-DNA position 1267, G replaced by A.
Protein change: p.Val423Met; replaces valine 423 with methionine.
Molecular consequence: missense variant. On other transcripts: non-coding transcript variant (1).
Genome position (GRCh38, 1-based): chr1:150,092,305, G>A. VCF-style: chr1-150092305-G-A. GRCh37 (hg19) VCF-style: chr1-150064399-G-A.
Other names: c.952G>A, p.Val318Met (NM_001279353.2); c.1159G>A, p.Val387Met (NM_001279354.2); short protein forms V318M, V423M, V387M.
Identifiers: ClinVar variation 951733 (VCV000951733.11), dbSNP rs201002467, ClinGen allele CA1073360.

ClinVar aggregate classification (germline): Uncertain significance. Review status: criteria provided, single submitter (1 of 4 stars). 2 submissions from 2 submitters: Uncertain significance (1). 1 of the submissions does not count toward it. Last evaluated 2021-09-01.

Conditions:
Congenital neutropenia-myelofibrosis-nephromegaly syndrome. Also called: Severe congenital neutropenia 5, autosomal recessive. Identifiers: Orphanet 369852, MedGen C3809031, MONDO:0014118, OMIM 615285.

Allele frequency attached by ClinVar (database versions not stated): TOPMed 0.00001; ESP Exome Variant Server 0.00008.
gnomAD v4.1: 12 of 1,613,352 alleles (0.00074%); highest among the groups gnomAD compares: East Asian, 0.0067%; no homozygotes.

Submissions (2):

Labcorp Genetics (formerly Invitae), Labcorp
Classification: Uncertain significance for Congenital neutropenia-myelofibrosis-nephromegaly syndrome. Last evaluated: 2021-09-01. Review status: criteria provided, single submitter. Criteria: Invitae Variant Classification Sherloc (09022015). Collection method: clinical testing. Allele origin: germline.
Comment: This sequence change replaces valine with methionine at codon 423 of the VPS45 protein (p.Val423Met). The valine residue is highly conserved and there is a small physicochemical difference between valine and methionine. This variant is present in population databases (rs201002467, ExAC 0.02%). This variant has not been reported in the literature in individuals affected with VPS45-related conditions. Algorithms developed to predict the effect of missense changes on protein structure and function are either unavailable or do not agree on the potential impact of this missense change (SIFT: "Deleterious"; PolyPhen-2: "Probably Damaging"; Align-GVGD: "Class C0"). In summary, the available evidence is currently insufficient to determine the role of this variant in disease. Therefore, it has been classified as a Variant of Uncertain Significance.

Natera, Inc.
Classification: Uncertain significance for Autosomal recessive severe congenital neutropenia 5. Last evaluated: 2020-09-23. Review status: no assertion criteria provided. Collection method: clinical testing. Allele origin: germline. Not counted in ClinVar's aggregate classification.